The following is an entry in ClinVar:

NM_001376571.1(MADD):c.2241C>T (p.Gly747=)

Gene: MADD (MAP kinase activating death domain; plus strand). Cytogenetic location: 11p11.2.
Variant type: single nucleotide variant.
Coding change: c.2241C>T on transcript NM_001376571.1 (MANE Select); coding-DNA position 2241, C replaced by T.
Protein change: p.Gly747=; no amino-acid change (glycine 747 retained).
Molecular consequence: synonymous variant. On other transcripts: non-coding transcript variant (8).
Genome position (GRCh38, 1-based): chr11:47,285,024, C>T. VCF-style: chr11-47285024-C-T. GRCh37 (hg19) VCF-style: chr11-47306575-C-T.
Other names: NC_000011.9:g.47306575C>T; c.2241C>T, p.Gly747= (NM_130476.3, NM_001135943.2, NM_001135944.2 and 79 more transcripts); c.2037C>T, p.Gly679= (NM_001376660.1, NM_001376657.1, NM_001376659.1 and 9 more transcripts); c.1575C>T, p.Gly525= (NM_001376663.1); c.2217C>T, p.Gly739= (NM_001376602.1).
Identifiers: ClinVar variation 3026028 (VCV003026028.24), dbSNP rs143711544, ClinGen allele CA5974389.

ClinVar aggregate classification (germline): Likely benign. Review status: criteria provided, multiple submitters, no conflicts (2 of 4 stars). 2 submissions from 2 submitters: Likely benign (2). Last evaluated 2024-11-19.

Allele frequency attached by ClinVar (database versions not stated): ExAC 0.00034; gnomAD 0.00058; TOPMed 0.00060; ESP Exome Variant Server 0.00092; gnomAD exomes 0.00112.
gnomAD v4.1: 1,746 of 1,614,012 alleles (0.11%); highest among the groups gnomAD compares: Non-Finnish European, 0.13%; 2 homozygotes.

Submissions (4):

Blueprint Genetics
Classification: Likely benign. Last evaluated: 2024-11-19. Review status: criteria provided, single submitter. Criteria: ACMG Guidelines, 2015. Collection method: clinical testing. Allele origin: germline.

CeGaT Center for Human Genetics Tuebingen
Classification: Likely benign. Last evaluated: 2023-12-01. Review status: criteria provided, single submitter. Criteria: CeGaT Center For Human Genetics Tuebingen Variant Classification Criteria Version 2. Collection method: clinical testing. Allele origin: germline. Affected: yes. Observed: 1 variant allele.
Comment: MADD: BP4

Dr. Peter K. Rogan Lab, Western University
No classification provided (evidence only). Condition: Melanoma. Review status: no classification provided. Collection method: in vitro. Allele origin: not applicable. Functional consequence: retained intron. Not counted in ClinVar's aggregate classification.

Dr. Peter K. Rogan Lab, Western University
No classification provided (evidence only). Condition: Gastric cancer. Review status: no classification provided. Collection method: in vitro. Allele origin: not applicable. Functional consequence: retained intron. Not counted in ClinVar's aggregate classification.